The following is an entry in ClinVar:

ClinVar aggregate classification (germline): Uncertain significance. Review status: criteria provided, multiple submitters, no conflicts (2 of 4 stars). 5 submissions from 5 submitters: Uncertain significance (4). 1 of the submissions does not count toward it. Last evaluated 2025-09-30.

Conditions:
Hereditary cancer-predisposing syndrome. Also called: Tumor predisposition; Hereditary Cancer Syndrome; Neoplastic Syndromes, Hereditary; Hereditary neoplastic syndrome. Identifiers: Orphanet 140162, MedGen C0027672, MeSH D009386, MONDO:0015356.
Ataxia-telangiectasia syndrome (AT). Also called: LOUIS-BAR SYNDROME; Cerebello-oculocutaneous telangiectasia; Immunodeficiency with ataxia telangiectasia; ATAXIA-TELANGIECTASIA, COMPLEMENTATION GROUP A; ATAXIA-TELANGIECTASIA, FRESNO VARIANT; Ataxia-telangiectasia. Identifiers: Orphanet 100, MedGen C0004135, MONDO:0008840, OMIM 208900.

Allele frequency attached by ClinVar (database versions not stated): TOPMed 0.00001.
gnomAD v4.1: 25 of 1,613,190 alleles (0.0015%); highest among the groups gnomAD compares: Non-Finnish European, 0.0019%; no homozygotes.

Submissions (5):

Labcorp Genetics (formerly Invitae), Labcorp
Classification: Uncertain significance for Ataxia-telangiectasia syndrome. Last evaluated: 2025-09-30. Review status: criteria provided, single submitter. Criteria: Invitae Variant Classification Sherloc (09022015). Collection method: clinical testing. Allele origin: germline.
Comment: This sequence change replaces aspartic acid, which is acidic and polar, with valine, which is neutral and non-polar, at codon 817 of the ATM protein (p.Asp817Val). This variant is not present in population databases (gnomAD no frequency). This variant has not been reported in the literature in individuals affected with ATM-related conditions. ClinVar contains an entry for this variant (Variation ID: 127350). Invitae Evidence Modeling of protein sequence and biophysical properties (such as structural, functional, and spatial information, amino acid conservation, physicochemical variation, residue mobility, and thermodynamic stability) has been performed for this missense variant. However, the output from this modeling did not meet the statistical confidence thresholds required to predict the impact of this variant on ATM protein function. In summary, the available evidence is currently insufficient to determine the role of this variant in disease. Therefore, it has been classified as a Variant of Uncertain Significance.

Ambry Genetics
Classification: Uncertain significance for Hereditary cancer-predisposing syndrome. Last evaluated: 2024-08-29. Review status: criteria provided, single submitter. Criteria: Ambry Variant Classification Scheme 2023. Collection method: clinical testing. Allele origin: germline.
Comment: The p.D817V variant (also known as c.2450A>T), located in coding exon 15 of the ATM gene, results from an A to T substitution at nucleotide position 2450. The aspartic acid at codon 817 is replaced by valine, an amino acid with highly dissimilar properties. This amino acid position is highly conserved in available vertebrate species. In addition, this alteration is predicted to be deleterious by in silico analysis. Based on the available evidence, the clinical significance of this variant remains unclear.

Women's Health and Genetics/Laboratory Corporation of America, LabCorp
Classification: Uncertain significance. Last evaluated: 2022-11-10. Review status: criteria provided, single submitter. Criteria: LabCorp Variant Classification Summary - May 2015. Collection method: clinical testing. Allele origin: germline.
Comment: Variant summary: ATM c.2450A>T (p.Asp817Val) results in a non-conservative amino acid change in the encoded protein sequence. Five of five in-silico tools predict a damaging effect of the variant on protein function. The variant was absent in 251016 control chromosomes (gnomAD). The available data on variant occurrences in the general population are insufficient to allow any conclusion about variant significance. c.2450A>T has been reported in the literature in prostate cancer biopsies (Mateo_2020), but it has also been reported in healthy controls (PMID: 33471991, LOVD). These reports do not provide unequivocal conclusions about association of the variant with disease. To our knowledge, no experimental evidence demonstrating an impact on protein function has been reported. Three ClinVar submitters (evaluation after 2014) cite the variant as uncertain significance. Based on the evidence outlined above, the variant was classified as uncertain significance.

GeneDx
Classification: Uncertain significance. Last evaluated: 2014-01-27. Review status: criteria provided, single submitter. Criteria: GeneDx Variant Classification (06012015). Collection method: clinical testing. Allele origin: germline. Affected: yes.
Comment: This variant is denoted ATM c.2450A>T at the cDNA level, p.Asp817Val (D817V) at the protein level, and results in the change of an Aspartic Acid to a Valine (GAT>GTT). This variant has not, to our knowledge, been published in the literature as pathogenic or benign. ATM Asp817Val was not observed in approximately 6,500 individuals of European and African American ancestry in the NHLBI Exome Sequencing Project, indicating it is not a common benign variant in these populations. This variant is a non-conservative substitution in which a negative polar amino acid is replaced with a neutral non-polar one, altering a position that is well conserved throughout evolution and is not located in a known functional domain. Multiple in silico algorithms predict that this variant may be damaging to protein structure and function. Based on the currently available information, we consider ATM Asp817Val to be a variant of uncertain significance.

Natera, Inc.
Classification: Uncertain significance for Ataxia-telangiectasia. Last evaluated: 2021-10-05. Review status: no assertion criteria provided. Collection method: clinical testing. Allele origin: germline. Not counted in ClinVar's aggregate classification.

Literature cited by the submitters: PubMed 31874108 (cited by Women's Health and Genetics/Laboratory Corporation of America, LabCorp).

NM_000051.4(ATM):c.2450A>T (p.Asp817Val)

Gene: ATM (ATM serine/threonine kinase; plus strand). Cytogenetic location: 11q22.3.
Variant type: single nucleotide variant.
Coding change: c.2450A>T on transcript NM_000051.4 (MANE Select); coding-DNA position 2450, A replaced by T.
Protein change: p.Asp817Val; replaces aspartic acid 817 with valine.
Molecular consequence: missense variant.
Genome position (GRCh38, 1-based): chr11:108,259,059, A>T. VCF-style: chr11-108259059-A-T. GRCh37 (hg19) VCF-style: chr11-108129786-A-T.
Other names: p.D817V:GAT>GTT; c.2450A>T, p.Asp817Val (NM_001351834.2); short protein forms D817V.
Identifiers: ClinVar variation 127350 (VCV000127350.20), dbSNP rs587779821, ClinGen allele CA286756.
Genomic context (GRCh38, chr11:108,259,059, plus strand): 5'-AGATTGCATCTGGCTTTTTCCTGCGATTGTTAACATCAAAGCTAATGAATGACATTGCAG[A>T]TATTTGTAAAAGTTTAGTAAGTATGCTTCCTGTTTTGCTATCATATTTTGATTCTAATAG-3'
Protein context (NP_000042.3, residues 807-827): LTSKLMNDIA[Asp817Val]ICKSLASFIK